The following is an entry in ClinVar:

NM_004380.3(CREBBP):c.2714C>T (p.Ser905Leu)

Gene: CREBBP (CREB binding lysine acetyltransferase; minus strand). Cytogenetic location: 16p13.3.
Variant type: single nucleotide variant.
Coding change: c.2714C>T on transcript NM_004380.3 (MANE Select); coding-DNA position 2714, C replaced by T.
Protein change: p.Ser905Leu; replaces serine 905 with leucine.
Molecular consequence: missense variant.
Genome position (GRCh38, 1-based): chr16:3,770,736, G>A on the plus strand (C>T on the coding strand, the complement: CREBBP is on the minus strand). VCF-style: chr16-3770736-G-A. GRCh37 (hg19) VCF-style: chr16-3820737-G-A.
Other names: c.2600C>T, p.Ser867Leu (NM_001079846.1); short protein forms S905L, S867L.
Identifiers: ClinVar variation 5000577 (VCV005000577.1).

ClinVar aggregate classification (germline): Uncertain significance (1 of 4 stars; one submission).

Conditions:
CREBBP-related disorder. Also called: CREBBP-related disorders; CREBBP-related condition.

gnomAD v4.1: 1 of 1,614,124 alleles (0.000062%); highest among the groups gnomAD compares: East Asian, 0.0022%; no homozygotes.

Submission:

PreventionGenetics, part of Exact Sciences
Classification: Uncertain significance for CREBBP-related condition. Last evaluated: 2024-12-18. Review status: criteria provided, single submitter. Criteria: ACMG Guidelines, 2015. Collection method: clinical testing. Allele origin: germline.
Comment: The CREBBP c.2714C>T variant is predicted to result in the amino acid substitution p.Ser905Leu. To our knowledge, this variant has not been reported in the literature or in a large population database (gnomAD), indicating this variant is rare. At this time, the clinical significance of this variant is uncertain due to the absence of conclusive functional and genetic evidence.